The following is an entry in ClinVar:

ClinVar aggregate classification (germline): Uncertain significance. Review status: criteria provided, multiple submitters, no conflicts (2 of 4 stars). 2 submissions from 2 submitters: Uncertain significance (2). Last evaluated 2025-12-23.

Conditions:
Inborn genetic diseases. Identifiers: MedGen C0950123, MeSH D030342.

Allele frequency attached by ClinVar (database versions not stated): TOPMed below 0.00001; gnomAD 0.00001; gnomAD exomes 0.00001.
gnomAD v4.1: 12 of 1,613,848 alleles (0.00074%); highest among the groups gnomAD compares: Non-Finnish European, 0.001%; no homozygotes.

Submissions (2):

Labcorp Genetics (formerly Invitae), Labcorp
Classification: Uncertain significance. Last evaluated: 2025-12-23. Review status: criteria provided, single submitter. Criteria: Invitae Variant Classification Sherloc (09022015). Collection method: clinical testing. Allele origin: germline.
Comment: This sequence change replaces threonine, which is neutral and polar, with alanine, which is neutral and non-polar, at codon 60 of the CSF2RB protein (p.Thr60Ala). This variant is not present in population databases (gnomAD no frequency). This variant has not been reported in the literature in individuals affected with CSF2RB-related conditions. ClinVar contains an entry for this variant (Variation ID: 1385816). Invitae Evidence Modeling of protein sequence and biophysical properties (such as structural, functional, and spatial information, amino acid conservation, physicochemical variation, residue mobility, and thermodynamic stability) indicates that this missense variant is expected to disrupt CSF2RB protein function with a positive predictive value of 80%. In summary, the available evidence is currently insufficient to determine the role of this variant in disease. Therefore, it has been classified as a Variant of Uncertain Significance.

Ambry Genetics
Classification: Uncertain significance for Inborn genetic diseases. Last evaluated: 2025-08-30. Review status: criteria provided, single submitter. Criteria: Ambry Variant Classification Scheme 2023. Collection method: clinical testing. Allele origin: germline.

NM_000395.3(CSF2RB):c.178A>G (p.Thr60Ala)

Gene: CSF2RB (colony stimulating factor 2 receptor subunit beta; plus strand). Cytogenetic location: 22q12.3.
Variant type: single nucleotide variant.
Coding change: c.178A>G on transcript NM_000395.3 (MANE Select); coding-DNA position 178, A replaced by G.
Protein change: p.Thr60Ala; replaces threonine 60 with alanine.
Molecular consequence: missense variant.
Genome position (GRCh38, 1-based): chr22:36,923,345, A>G. VCF-style: chr22-36923345-A-G. GRCh37 (hg19) VCF-style: chr22-37319387-A-G.
Other names: c.178A>G (NM_000395.2); short protein forms T60A.
Identifiers: ClinVar variation 1385816 (VCV001385816.7), dbSNP rs1940925928, ClinGen allele CA411401756.
Genomic context (GRCh38, chr22:36,923,345, plus strand): 5'-ACCAGCCACATCACCTGCAGGTGGGCAGACACCCAGGATGCCCAGCGGCTCGTCAACGTG[A>G]CCCTCATTCGCCGGGTGAATGAGTGAGTGATGCTGGGGGCAGGGGCCACGGGCAGGGGCT-3'
Protein context (NP_000386.1, residues 50-70): TQDAQRLVNV[Thr60Ala]LIRRVNEDLL